The following is an entry in ClinVar:

NM_014251.3(SLC25A13):c.65_66insTTTTTTTTTTTTTTTTTTTTNNNNNNNNNNGCCTCGGCCTCCCAAAGTGCTGGGATTACAGGCGTGAGCCACCGCGCCCGGCCAGAACAATATTTTT (p.Leu22delinsPhePhePhePhePhePhePheXaaXaaXaaXaaProArgProProLysValLeuGlyLeuGlnAlaTer)

Gene: SLC25A13 (solute carrier family 25 member 13; minus strand). Cytogenetic location: 7q21.3.
Variant type: Microsatellite.
Coding change: c.65_66insTTTTTTTTTTTTTTTTTTTTNNNNNNNNNNGCCTCGGCCTCCCAAAGTGCTGGGATTACAGGCGTGAGCCACCGCGCCCGGCCAGAACAATATTTTT on transcript NM_014251.3 (MANE Select); coding-DNA positions 65 to 66, TTTTTTTTTTTTTTTTTTTTNNNNNNNNNNGCCTCGGCCTCCCAAAGTGCTGGGATTACAGGCGTGAGCCACCGCGCCCGGCCAGAACAATATTTTT inserted.
Protein change: p.Leu22delinsPhePhePhePhePhePhePheXaaXaaXaaXaaProArgProProLysValLeuGlyLeuGlnAlaTer.
Molecular consequence: nonsense. On other transcripts: non-coding transcript variant (1).
Genome position: GRCh38: chr7:96,296,902-96,296,915. GRCh37 (hg19): chr7:95,926,214-95,926,227.
Other names: c.65_66insTTTTTTTTTTTTTTTTTTTTNNNNNNNNNNGCCTCGGCCTCCCAAAGTGCTGGGATTACAGGCGTGAGCCACCGCGCCCGGCCAGAACAATATTTTT, p.Leu22delinsPhePhePhePhePhePhePheXaaXaaXaaXaaProArgProProLysValLeuGlyLeuGlnAlaTer (NM_001160210.2).
Identifiers: ClinVar variation 2001391 (VCV002001391.4).

ClinVar aggregate classification (germline): Pathogenic (1 of 4 stars; one submission).

Conditions:
Citrin deficiency. Identifiers: Orphanet 247582, MedGen C1997910, MONDO:0016602.

Submission:

Labcorp Genetics (formerly Invitae), Labcorp
Classification: Pathogenic for Citrin deficiency. Last evaluated: 2022-11-29. Review status: criteria provided, single submitter. Criteria: Invitae Variant Classification Sherloc (09022015). Collection method: clinical testing. Allele origin: germline.
Comment: This variant has not been reported in the literature in individuals affected with SLC25A13-related conditions. Retrotransposon insertions including LINE1 (L1), Alu, and SVA (SINE-VNTR-Alu) have been reported to be disease-causing through disruption of either a coding region or splice site (PMID: 19763152, 20307669, 22406018) and loss-of-function variants in SLC25A13 are known to be pathogenic (PMID: 10369257, 14680984, 27405544). For these reasons, this variant has been classified as Pathogenic. This sequence change inserts a large fragment of DNA, likely a transposable element, in exon 2 of the SLC25A13 gene (c.65_66ins?), causing a frameshift at codon 22 (p.Leu22fs). The exact size and sequence of the insertion cannot be determined by the current assay. However, the insertion is expected to result in an absent or disrupted protein product. This variant is not present in population databases (gnomAD no frequency).

Literature cited by the submitters: PubMed 19763152; PubMed 20307669; PubMed 22406018; PubMed 10369257; PubMed 14680984; PubMed 27405544.